The following is an entry in ClinVar:

ClinVar aggregate classification (germline): Uncertain significance (1 of 4 stars; one submission).

Conditions:
DPF2-related disorder. Also called: DPF2-related condition.

Submission:

PreventionGenetics, part of Exact Sciences
Classification: Uncertain significance for DPF2-related condition. Last evaluated: 2024-10-12. Review status: criteria provided, single submitter. Criteria: ACMG Guidelines, 2015. Collection method: clinical testing. Allele origin: germline.
Comment: The DPF2 c.940_942dupCGC variant is predicted to result in an in-frame duplication (p.Arg314dup). To our knowledge, this variant has not been reported in the literature or in a large population database (gnomAD), indicating this variant is rare. At this time, the clinical significance of this variant is uncertain due to the absence of conclusive functional and genetic evidence.

NM_006268.5(DPF2):c.898_900dup (p.Arg300_Ser301insArg)

Gene: DPF2 (double PHD fingers 2; plus strand). Cytogenetic location: 11q13.1.
Variant type: Duplication.
Coding change: c.898_900dup on transcript NM_006268.5 (MANE Select); coding-DNA positions 898 to 900, 3 bases duplicated (CGC; older notation c.898_900dupCGC).
Protein change: p.Arg300_Ser301insArg.
Molecular consequence: inframe insertion.
Genome position (GRCh38, 1-based): chr11:65,346,052-65,346,054, CGC duplicated; duplicating any 3 consecutive bases within chr11:65,346,050-65,346,054 gives the same sequence; the c. name uses the placement nearest the transcript's 3' end. VCF-style (leftmost placement, unchanged base first): chr11-65346049-G-GGCC. GRCh37 (hg19) VCF-style: chr11-65113520-G-GGCC.
Other names: c.940_942dup, p.Arg314_Ser315insArg (NM_001330308.2).
Identifiers: ClinVar variation 5001781 (VCV005001781.1).